The following is an entry in ClinVar:

ClinVar aggregate classification (germline): Uncertain significance (1 of 4 stars; one submission).

gnomAD v4.1: 1 of 1,614,112 alleles (0.000062%); highest among the groups gnomAD compares: Non-Finnish European, 0.000085%; no homozygotes.

Submission:

Labcorp Genetics (formerly Invitae), Labcorp
Classification: Uncertain significance. Last evaluated: 2020-11-05. Review status: criteria provided, single submitter. Criteria: Invitae Variant Classification Sherloc (09022015). Collection method: clinical testing. Allele origin: germline.
Comment: This sequence change replaces serine with threonine at codon 333 of the PCARE protein (p.Ser333Thr). The serine residue is highly conserved and there is a small physicochemical difference between serine and threonine. This variant is not present in population databases (ExAC no frequency). This variant has not been reported in the literature in individuals with PCARE-related conditions. Algorithms developed to predict the effect of missense changes on protein structure and function output the following: SIFT: "Tolerated"; PolyPhen-2: "Benign"; Align-GVGD: "Class C0". The threonine amino acid residue is found in multiple mammalian species, suggesting that this missense change does not adversely affect protein function. These predictions have not been confirmed by published functional studies and their clinical significance is uncertain. In summary, the available evidence is currently insufficient to determine the role of this variant in disease. Therefore, it has been classified as a Variant of Uncertain Significance.

NM_001029883.3(PCARE):c.998G>C (p.Ser333Thr)

Gene: PCARE (photoreceptor cilium actin regulator; minus strand). Cytogenetic location: 2p23.2.
Variant type: single nucleotide variant.
Coding change: c.998G>C on transcript NM_001029883.3 (MANE Select); coding-DNA position 998, G replaced by C.
Protein change: p.Ser333Thr; replaces serine 333 with threonine.
Molecular consequence: missense variant.
Genome position (GRCh38, 1-based): chr2:29,073,264, C>G on the plus strand (G>C on the coding strand, the complement: PCARE is on the minus strand). VCF-style: chr2-29073264-C-G. GRCh37 (hg19) VCF-style: chr2-29296130-C-G.
Other names: short protein forms S333T.
Identifiers: ClinVar variation 1496797 (VCV001496797.8), dbSNP rs1302334612, ClinGen allele CA346481117.